The following is an entry in ClinVar:

ClinVar aggregate classification (germline): Uncertain significance (1 of 4 stars; one submission).

Conditions:
CHARGE syndrome (CHARGE). Also called: Hittner Hirsch Kreh syndrome; Coloboma, heart anomaly, choanal atresia, retardation, genital and ear anomalies; CHARGE association; Hall-Hittner syndrome; CHARGE ASSOCIATION--COLOBOMA, HEART ANOMALY, CHOANAL ATRESIA, RETARDATION, GENITAL AND EAR ANOMALIES. Identifiers: Orphanet 138, MedGen C0265354, MONDO:0008965.

Submission:

Labcorp Genetics (formerly Invitae), Labcorp
Classification: Uncertain significance for CHARGE association. Last evaluated: 2018-02-26. Review status: criteria provided, single submitter. Criteria: Invitae Variant Classification Sherloc (09022015). Collection method: clinical testing. Allele origin: germline.
Comment: This sequence change replaces glycine with arginine at codon 1547 of the CHD7 protein (p.Gly1547Arg). The glycine residue is highly conserved and there is a moderate physicochemical difference between glycine and arginine. This variant is not present in population databases (ExAC no frequency). This variant has not been reported in the literature in individuals with CHD7-related disease. Algorithms developed to predict the effect of missense changes on protein structure and function (SIFT, PolyPhen-2, Align-GVGD) all suggest that this variant is likely to be disruptive, but these predictions have not been confirmed by published functional studies and their clinical significance is uncertain. In summary, the available evidence is currently insufficient to determine the role of this variant in disease. Therefore, it has been classified as a Variant of Uncertain Significance.

NM_017780.4(CHD7):c.4639G>C (p.Gly1547Arg)

Gene: CHD7 (chromodomain helicase DNA binding protein 7; plus strand). Cytogenetic location: 8q12.2.
Variant type: single nucleotide variant.
Coding change: c.4639G>C on transcript NM_017780.4 (MANE Select); coding-DNA position 4639, G replaced by C.
Protein change: p.Gly1547Arg; replaces glycine 1547 with arginine.
Molecular consequence: missense variant. On other transcripts: intron variant (1).
Genome position (GRCh38, 1-based): chr8:60,841,749, G>C. VCF-style: chr8-60841749-G-C. GRCh37 (hg19) VCF-style: chr8-61754308-G-C.
Other names: c.1717-20480G>C (NM_001316690.1); short protein forms G1547R.
Identifiers: ClinVar variation 581441 (VCV000581441.1), dbSNP rs1563648680, ClinGen allele CA371318838.
Genomic context (GRCh38, chr8:60,841,749, plus strand): 5'-GATCCAAATTTCTGGCAAAAGTGGGCTAAGAAGGCTGAATTGGATATTGATGCCTTAAAT[G>C]GGAGGGTGAGTAAGAAGTCCCATTCGAACACCTATCTGATCTAAACCAAGAGCCACTCTT-3'
Protein context (NP_060250.2, residues 1537-1557): KAELDIDALN[Gly1547Arg]RNNLVIDTPR